The following is an entry in ClinVar:

NM_001278116.2(L1CAM):c.114G>A (p.Thr38=)

Gene: L1CAM (L1 cell adhesion molecule; minus strand). Cytogenetic location: Xq28.
Variant type: single nucleotide variant.
Coding change: c.114G>A on transcript NM_001278116.2 (MANE Select); coding-DNA position 114, G replaced by A.
Protein change: p.Thr38=; no amino-acid change (threonine 38 retained).
Molecular consequence: synonymous variant.
Genome position (GRCh38, 1-based): chrX:153,872,675, C>T on the plus strand (G>A on the coding strand, the complement: L1CAM is on the minus strand). VCF-style: chrX-153872675-C-T. GRCh37 (hg19) VCF-style: chrX-153138130-C-T.
Other names: c.114G>A, p.Thr38= (NM_000425.5, NM_024003.3); c.99G>A, p.Thr33= (NM_001143963.2).
Identifiers: ClinVar variation 2661742 (VCV002661742.25), dbSNP rs781887788, ClinGen allele CA10554661.
Genomic context (GRCh38, chrX:153,872,675, plus strand): 5'-CTCACACTTGAGGCTGATGTCATCTGTGGGGAAGACAACCAGGCGCCGTGGAGACTGTTC[C>T]GTGATGACAGGTGGCTCCATCACTGAAGACAGGGTGGAGAGAGCGGTGGTGAGGGTGCTG-3'
Protein context (NP_001265045.1, residues 28-48): GHHVMEPPVI[Thr38=]EQSPRRLVVF

ClinVar aggregate classification (germline): Benign/Likely benign. Review status: criteria provided, multiple submitters, no conflicts (2 of 4 stars). 2 submissions from 2 submitters: Benign (1); Likely benign (1). Last evaluated 2025-11-25.

Conditions:
Spastic paraplegia. Identifiers: MedGen C0037772, HP:0001258.

Allele frequency attached by ClinVar (database versions not stated): ExAC 0.00001; gnomAD exomes 0.00002; TOPMed 0.00002.
gnomAD v4.1: 17 of 1,209,460 alleles (0.0014%); highest among the groups gnomAD compares: Non-Finnish European, 0.0018%; no homozygotes.

Submissions (2):

Labcorp Genetics (formerly Invitae), Labcorp
Classification: Benign for Spastic paraplegia. Last evaluated: 2025-11-25. Review status: criteria provided, single submitter. Criteria: Invitae Variant Classification Sherloc (09022015). Collection method: clinical testing. Allele origin: germline.

CeGaT Center for Human Genetics Tuebingen
Classification: Likely benign. Last evaluated: 2023-03-01. Review status: criteria provided, single submitter. Criteria: CeGaT Center For Human Genetics Tuebingen Variant Classification Criteria Version 2. Collection method: clinical testing. Allele origin: germline. Affected: yes. Observed: 1 variant allele.
Comment: L1CAM: BP4, BP7